The following is an entry in ClinVar:

NM_007294.4(BRCA1):c.4948A>G (p.Met1650Val)

Gene: BRCA1 (BRCA1 DNA repair associated; minus strand). Cytogenetic location: 17q21.31.
Variant type: single nucleotide variant.
Coding change: c.4948A>G on transcript NM_007294.4 (MANE Select); coding-DNA position 4948, A replaced by G.
Protein change: p.Met1650Val; replaces methionine 1650 with valine.
Molecular consequence: missense variant. On other transcripts: non-coding transcript variant (1).
Genome position (GRCh38, 1-based): chr17:43,070,966, T>C on the plus strand (A>G on the coding strand, the complement: BRCA1 is on the minus strand). VCF-style: chr17-43070966-T-C. GRCh37 (hg19) VCF-style: chr17-41222983-T-C.
Other names: c.4747A>G, p.Met1583Val (NM_001407862.1); c.4822A>G, p.Met1608Val (NM_001407863.1, NM_001407670.1, NM_001407671.1 and 11 more transcripts); c.4741A>G, p.Met1581Val (NM_001407874.1, NM_001407875.1); c.4735A>G, p.Met1579Val (NM_001407896.1, NM_001407897.1, NM_001407898.1 and 12 more transcripts); c.4684A>G, p.Met1562Val (NM_001407922.1, NM_001407923.1, NM_001407924.1 and 4 more transcripts); c.4681A>G, p.Met1561Val (NM_001407927.1, NM_001407928.1, NM_001407929.1 and 4 more transcripts); c.4819A>G, p.Met1607Val (NM_001407941.1, NM_001407685.1, NM_001407686.1 and 6 more transcripts); c.4807A>G, p.Met1603Val (NM_001407942.1, NM_007297.4, NM_001407692.1 and 13 more transcripts); and 70 more; short protein forms M1671V, M1603V, M546V, M1650V, M1353V, M1496V, M1578V, M1609V.
Identifiers: ClinVar variation 865448 (VCV000865448.12), dbSNP rs1567774493, ClinGen allele CA10591627.
Genomic context (GRCh38, chr17:43,070,966, plus strand): 5'-AGATACATATGGATACACTCACAAATTCTTCTGGGGTCAGGCCAGACACCACCATGGACA[T>C]TCTTTTGTTGACCCTTTCTGTTGAAGCTGTCAATTCTGGCTTCTCCCTGCTCACACTTTC-3'
Protein context (NP_009225.1, residues 1640-1660): TASTERVNKR[Met1650Val]SMVVSGLTPE

ClinVar aggregate classification (germline): Conflicting classifications of pathogenicity. Review status: criteria provided, conflicting classifications (1 of 4 stars). 2 submissions from 2 submitters: Uncertain significance (1); Likely benign (1). Last evaluated 2024-10-15.

Conditions:
Hereditary breast ovarian cancer syndrome. Also called: Hereditary breast and/or ovarian cancer syndrome; BRCA1- and BRCA2-Associated Hereditary Breast and Ovarian Cancer; Hereditary breast and ovarian cancer syndrome; Hereditary breast and ovarian cancer; Hereditary breast and ovarian cancer syndrome (HBOC); Breast and ovarian cancer. Identifiers: Orphanet 145, MedGen C0677776, MeSH D061325, MONDO:0003582. Disease mechanism: loss of function.
Breast-ovarian cancer, familial, susceptibility to, 1 (BROVCA1). Also called: BRCA1 Hereditary Breast and Ovarian Cancer; OVARIAN CANCER, SUSCEPTIBILITY TO. Identifiers: Orphanet 145, MedGen C2676676, MONDO:0011450, OMIM 604370. Disease mechanism: loss of function.

Submissions (3):

Labcorp Genetics (formerly Invitae), Labcorp
Classification: Uncertain significance for Hereditary breast ovarian cancer syndrome. Last evaluated: 2024-10-15. Review status: criteria provided, single submitter. Criteria: Invitae Variant Classification Sherloc (09022015). Collection method: clinical testing. Allele origin: germline.
Comment: This sequence change replaces methionine, which is neutral and non-polar, with valine, which is neutral and non-polar, at codon 1650 of the BRCA1 protein (p.Met1650Val). This variant is not present in population databases (gnomAD no frequency). This missense change has been observed in individual(s) with breast cancer (PMID: 31477031). This variant is also known as c.5011T>C (p.Met1671Val). ClinVar contains an entry for this variant (Variation ID: 865448). Invitae Evidence Modeling incorporating data from in vitro experimental studies (PMID: 30209399) indicates that this missense variant is not expected to disrupt BRCA1 function with a negative predictive value of 95%. Experimental studies have shown that this missense change does not substantially affect BRCA1 function (PMID: 30209399). In summary, the available evidence is currently insufficient to determine the role of this variant in disease. Therefore, it has been classified as a Variant of Uncertain Significance.

Lupski Lab, Baylor-Hopkins CMG, Baylor College of Medicine
Classification: Likely benign for Breast-ovarian cancer, familial, susceptibility to, 1. Last evaluated: 2024-04-12. Review status: criteria provided, single submitter. Criteria: Dawood et al. (medRxiv. 2024). Collection method: curation. Allele origin: germline.
Comment: Each variant was annotated with functional scores from MAVE data which was translated into functional evidence codes. All other evidence codes and combining criteria were adhered to as closely as possible based on the ClinGen VCEP (Variant Curation Expert Panel) gene-specific recommendations. See Supplemental Figure 34 of final paper (Supp Fig. 28 in preprint: doi:10.1101/2024.04.11.24305690) for a table to see which lines of evidence we did not have data for. The ClinGen VCEPs are highly regarded as the gold-standard for gene-specific variant curation and are developed after extensive evaluation of the evidence by clinical and scientific experts for the particular gene to classify genomic variants on a spectrum from pathogenic to benign using the 2015 ACMG/AMP Variant Interpretation Guidelines as a backbone (PMID: 25741868). Reclassification of these VUS variants from gnomAD or All of Us focused only on variants originally prescribed as VUS in ClinVar. To ensure reproducibility, transparency, and increased throughput, all the procedures for annotating variants and assigning evidence codes were codified using Python. All code has been made freely available and is linked in the Code Availability section and all reclassified variants with evidence codes used can be found in Tables S18-19 (preprint: doi:10.1101/2024.04.11.24305690). For the MAVE data, the clinical curation and clinical strength assignment as per the ClinGen recommendations in Brnich et al. (2020) (PMID: 31892348) for or against pathogenicity or benignity of each of these MAVE datasets utilized in this study were previously published in Fayer et al. (2021) (PMID: 34793697).In brief, for BRCA1 variants, if a variant was categorized as FUNC (functional), it was assigned BS3 evidence and no PS3 evidence, whereas if it was categorized as LOF (loss of function), the variant was assigned PS3 evidence and no BS3 evidence. Variants categorized as INT (intermediate) were left unannotated. For the BRCA1 combining criteria, greater than or equal to 1 criteria of strong benign evidence was enough to reclassify the VUS as Likely Benign. This variant GRCh38:17:43070966:T>C was assigned evidence codes ['BS3', 'BP4'] and an overall classification of Likely benign

Brotman Baty Institute, University of Washington
No classification provided (evidence only). Condition: Breast-ovarian cancer, familial 1. Review status: no classification provided. Collection method: in vitro. Allele origin: not applicable. Functional consequence: functionally_normal. Not counted in ClinVar's aggregate classification.
ClinVar note: "not provided" was previously submitted as the classification for the variant. However, the classification appeared to be based only on an observation of functional data so it was converted to no classification on 2025-07-30.

Literature cited by the submitters: PubMed 31477031 (cited by Labcorp Genetics (formerly Invitae), Labcorp); PubMed 30209399 (cited by Labcorp Genetics (formerly Invitae), Labcorp); PubMed 39142283 (cited by Lupski Lab, Baylor-Hopkins CMG, Baylor College of Medicine); PubMed 34793697 (cited by Lupski Lab, Baylor-Hopkins CMG, Baylor College of Medicine); DOI 10.1101/2024.04.11.24305690 (cited by Lupski Lab, Baylor-Hopkins CMG, Baylor College of Medicine).